The following is an entry in ClinVar:

NM_002474.3(MYH11):c.2051A>G (p.Glu684Gly)

Gene: MYH11 (myosin heavy chain 11; minus strand). Cytogenetic location: 16p13.11.
Variant type: single nucleotide variant.
Coding change: c.2051A>G on transcript NM_002474.3 (MANE Select); coding-DNA position 2051, A replaced by G.
Protein change: p.Glu684Gly; replaces glutamic acid 684 with glycine.
Molecular consequence: missense variant.
Genome position (GRCh38, 1-based): chr16:15,750,145, T>C on the plus strand (A>G on the coding strand, the complement: MYH11 is on the minus strand). VCF-style: chr16-15750145-T-C. GRCh37 (hg19) VCF-style: chr16-15844002-T-C.
Other names: c.2072A>G, p.Glu691Gly (NM_001040113.2, NM_001040114.2); c.2051A>G, p.Glu684Gly (NM_022844.3); short protein forms E684G, E691G.
Identifiers: ClinVar variation 4758878 (VCV004758878.1).

ClinVar aggregate classification (germline): Uncertain significance (1 of 4 stars; one submission).

Conditions:
Familial thoracic aortic aneurysm and aortic dissection (TAAD). Also called: Thoracic aortic aneurysms and dissections. Identifiers: Orphanet 91387, MedGen C4707243, MONDO:0019625.

Submission:

Color Diagnostics, LLC DBA Color Health
Classification: Uncertain significance for Familial thoracic aortic aneurysm and aortic dissection. Last evaluated: 2025-07-14. Review status: criteria provided, single submitter. Criteria: ACMG Guidelines, 2015. Collection method: clinical testing. Allele origin: germline.
Comment: This missense variant replaces glutamic acid with glycine at codon 691 of the MYH11 protein. Computational prediction suggests that this variant may have deleterious impact on protein structure and function. To our knowledge, functional studies have not been reported for this variant. This variant has not been reported in individuals affected with MYH11-related disorders in the literature. This variant has not been identified in the general population by the Genome Aggregation Database (gnomAD). The available evidence is insufficient to determine the role of this variant in disease conclusively. Therefore, this variant is classified as a Variant of Uncertain Significance.